The following is an entry in ClinVar:

ClinVar aggregate classification (germline): Benign/Likely benign. Review status: criteria provided, multiple submitters, no conflicts (2 of 4 stars). 5 submissions from 5 submitters: Benign (2); Likely benign (3). Last evaluated 2026-01-27.

Conditions:
Long QT syndrome (LQTS). Identifiers: MedGen C0023976, MeSH D008133, MONDO:0002442. Disease mechanism: loss of function. Inheritance: Various modes of inheritance.

Allele frequency attached by ClinVar (database versions not stated): gnomAD 0.00003; gnomAD exomes 0.00003 and 0.00006; TOPMed 0.00007; 1000 Genomes Project 30x 0.00016; ExAC below 0.00001.
gnomAD v4.1: 79 of 1,559,672 alleles (0.0051%); highest among the groups gnomAD compares: East Asian, 0.026%; no homozygotes.

Submissions (5):

Labcorp Genetics (formerly Invitae), Labcorp
Classification: Likely benign for Long QT syndrome. Last evaluated: 2026-01-27. Review status: criteria provided, single submitter. Criteria: Invitae Variant Classification Sherloc (09022015). Collection method: clinical testing. Allele origin: germline.

Women's Health and Genetics/Laboratory Corporation of America, LabCorp
Classification: Likely benign. Last evaluated: 2025-12-01. Review status: criteria provided, single submitter. Criteria: LabCorp Variant Classification Summary - May 2015. Collection method: clinical testing. Allele origin: germline.
Comment: Variant summary: KCNH2 c.1128+7G>A alters a non-conserved nucleotide located at a position not widely known to affect splicing. Consensus agreement among computation tools predict no significant impact on normal splicing. However, these predictions have yet to be confirmed by functional studies. The variant allele was found at a frequency of 7.1e-05 in 169278 control chromosomes. This frequency is not significantly higher than estimated for disease-causing variants in KCNH2, allowing no conclusion about variant significance. To our knowledge, no occurrence of c.1128+7G>A in individuals affected with KCNH2-related conditions and no experimental evidence demonstrating its impact on protein function have been reported. The following publication has been ascertained in the context of this evaluation (PMID: 16487223). ClinVar contains an entry for this variant (Variation ID: 237288). Based on the evidence outlined above, the variant was classified as likely benign.

Blueprint Genetics
Classification: Likely benign. Last evaluated: 2024-02-05. Review status: criteria provided, single submitter. Criteria: ACMG Guidelines, 2015. Collection method: clinical testing. Allele origin: germline.

Athena Diagnostics
Classification: Benign. Last evaluated: 2018-02-19. Review status: criteria provided, single submitter. Criteria: Athena Diagnostics Criteria. Collection method: clinical testing. Allele origin: germline.

GeneDx
Classification: Benign. Last evaluated: 2015-03-03. Review status: criteria provided, single submitter. Criteria: GeneDx Variant Classification Process June 2021. Collection method: clinical testing. Allele origin: germline. Affected: yes.

Literature cited by the submitters: PubMed 16487223 (cited by Women's Health and Genetics/Laboratory Corporation of America, LabCorp).

NM_000238.4(KCNH2):c.1128+7G>A

Gene: KCNH2 (potassium voltage-gated channel subfamily H member 2; minus strand). Cytogenetic location: 7q36.1.
Variant type: single nucleotide variant.
Coding change: c.1128+7G>A on transcript NM_000238.4 (MANE Select); 7 bases into the intron after coding-DNA position 1128, G replaced by A.
Molecular consequence: intron variant.
Genome position (GRCh38, 1-based): chr7:150,957,284, C>T on the plus strand (G>A on the coding strand, the complement: KCNH2 is on the minus strand). VCF-style: chr7-150957284-C-T. GRCh37 (hg19) VCF-style: chr7-150654372-C-T.
Other names: c.840+7G>A (NM_001406753.1, NM_001406756.1); c.1128+7G>A (NM_172056.3); c.951+7G>A (NM_001406755.1); c.828+7G>A (NM_001406757.1).
Identifiers: ClinVar variation 237288 (VCV000237288.18), dbSNP rs200884259, ClinGen allele CA027125.